The following is an entry in ClinVar:

NM_002907.4(RECQL):c.619G>A (p.Ala207Thr)

Gene: RECQL (RecQ like helicase; minus strand). Cytogenetic location: 12p12.1.
Variant type: single nucleotide variant.
Coding change: c.619G>A on transcript NM_002907.4 (MANE Select); coding-DNA position 619, G replaced by A.
Protein change: p.Ala207Thr; replaces alanine 207 with threonine.
Molecular consequence: missense variant.
Genome position (GRCh38, 1-based): chr12:21,483,457, C>T on the plus strand (G>A on the coding strand, the complement: RECQL is on the minus strand). VCF-style: chr12-21483457-C-T. GRCh37 (hg19) VCF-style: chr12-21636391-C-T.
Other names: c.619G>A, p.Ala207Thr (NM_032941.3); short protein forms A207T.
Identifiers: ClinVar variation 4152312 (VCV004152312.1).

ClinVar aggregate classification (germline): Uncertain significance (1 of 4 stars; one submission).

Submission:

Ambry Genetics
Classification: Uncertain significance. Last evaluated: 2025-07-09. Review status: criteria provided, single submitter. Criteria: Ambry Variant Classification Scheme 2023. Collection method: clinical testing. Allele origin: germline.
Comment: The p.A207T variant (also known as c.619G>A), located in coding exon 5 of the RECQL gene, results from a G to A substitution at nucleotide position 619. The alanine at codon 207 is replaced by threonine, an amino acid with similar properties. This amino acid position is conserved. In addition, the in silico prediction for this alteration is inconclusive. Based on the available evidence, the clinical significance of this variant remains unclear.